The following is an entry in ClinVar:

NM_014270.5(SLC7A9):c.459C>A (p.Cys153Ter)

Gene: SLC7A9 (solute carrier family 7 member 9; minus strand). Cytogenetic location: 19q13.11.
Variant type: single nucleotide variant.
Coding change: c.459C>A on transcript NM_014270.5 (MANE Select); coding-DNA position 459, C replaced by A.
Protein change: p.Cys153Ter; replaces cysteine 153 with a stop codon.
Molecular consequence: nonsense.
Genome position (GRCh38, 1-based): chr19:32,864,115, G>T on the plus strand (C>A on the coding strand, the complement: SLC7A9 is on the minus strand). VCF-style: chr19-32864115-G-T. GRCh37 (hg19) VCF-style: chr19-33355021-G-T.
Other names: p.Cys153*; c.459C>A, p.Cys153Ter (NM_001126335.2, NM_001243036.2); short protein forms C153*.
Identifiers: ClinVar variation 2683632 (VCV002683632.3), dbSNP rs555734325, ClinGen allele CA405203289.

ClinVar aggregate classification (germline): Pathogenic. Review status: criteria provided, multiple submitters, no conflicts (2 of 4 stars). 2 submissions from 2 submitters: Pathogenic (2). Last evaluated 2026-04-07.

Conditions:
Cystinuria (CSNU). Also called: CYSTINURIA, TYPE I; CYSTINURIA, TYPE II; CYSTINURIA, TYPE III; Cystinuria, non-type I. Identifiers: Orphanet 214, MedGen C0010691, MONDO:0009067, OMIM 220100, HP:0003131.

Submissions (2):

Victorian Clinical Genetics Services, Murdoch Childrens Research Institute
Classification: Pathogenic for Cystinuria. Last evaluated: 2026-04-07. Review status: criteria provided, single submitter. Criteria: ACMG Guidelines, 2015. Collection method: clinical testing. Allele origin: germline. Affected: yes.
Comment: This variant is classified as Pathogenic. Evidence in support of pathogenic classification: Variant is predicted to cause nonsense-mediated decay (NMD) and loss of protein (premature termination codon is located at least 54 nucleotides upstream of the final exon-exon junction); Variant is absent from gnomAD (v2, v3 and v4); This variant has limited previous evidence of pathogenicity. This variant has been classified as pathogenic by one clinical laboratory in ClinVar; Other NMD-predicted variants comparable to the one identified in this case have very strong previous evidence for pathogenicity (DECIPHER). Additional information: This variant is heterozygous; This gene is associated with both recessive and dominant disease. Some heterozygous variants have been reported to present with a milder phenotype (OMIM, PMID: 11157794); No published evidence of segregation with disease has been identified for this variant; No published functional evidence has been identified for this variant; Loss of function is a known mechanism of disease in this gene and is associated with cystinuria (MIM#220100); The condition associated with this gene has incomplete penetrance. Autosomal dominant cystinuria has been reported to have incomplete penetrance (PMID: 25964309); Heterozygous variant detected in trans with a second PATHOGENIC heterozygous variant (NM_014270.5(SLC7A9):c.419T>C; p.(Phe140Ser)) in a recessive disease; Inheritance information for this variant is not currently available in this individual.

Mayo Clinic Laboratories, Mayo Clinic
Classification: Pathogenic. Last evaluated: 2024-01-02. Review status: criteria provided, single submitter. Criteria: ACMG Guidelines, 2015. Collection method: clinical testing. Allele origin: germline.
Comment: PP4, PM2_moderate, PVS1

Literature cited by the submitters: PubMed 25964309 (cited by Victorian Clinical Genetics Services, Murdoch Childrens Research Institute); PubMed 11157794 (cited by Victorian Clinical Genetics Services, Murdoch Childrens Research Institute).